The following is an entry in ClinVar:

NM_024426.6(WT1):c.887+5del

Gene: WT1 (WT1 transcription factor; minus strand). Cytogenetic location: 11p13.
Variant type: Deletion.
Coding change: c.887+5del on transcript NM_024426.6 (MANE Select); 5 bases into the intron after coding-DNA position 887, one base deleted (G; older notation c.887+5delG).
Molecular consequence: intron variant.
Genome position (GRCh38, 1-based): chr11:32,427,951, C deleted on the plus strand (G on the coding strand, the reverse complement: WT1 is on the minus strand); the first of 2 consecutive C bases (chr11:32,427,951-32,427,952); deleting either gives the same sequence. VCF-style (leftmost placement, unchanged base first): chr11-32427950-TC-T. GRCh37 (hg19) VCF-style: chr11-32449496-TC-T.
Other names: c.764+5del (NM_001407050.1, NM_001407047.1); c.887+5del (NM_001407048.1, NM_001407049.1, NM_000378.6 and 4 more transcripts); c.125+5del (NM_001407051.1); c.236+5del (NM_001198552.2, NM_001198551.2).
Identifiers: ClinVar variation 3071239 (VCV003071239.1), dbSNP rs2494424565, ClinGen allele CA2825001928.

ClinVar aggregate classification (germline): Uncertain significance (1 of 4 stars; one submission).

Conditions:
Wilms tumor 1 (WT1). Also called: Wilms tumor, somatic. Identifiers: Orphanet 654, MedGen CN033288, MONDO:0008679, OMIM 194070.

Submission:

All of Us Research Program, National Institutes of Health
Classification: Uncertain significance for Wilms tumor 1. Last evaluated: 2023-05-16. Review status: criteria provided, single submitter. Criteria: ACMG Guidelines, 2015. Collection method: clinical testing. Allele origin: germline. Inheritance: Autosomal dominant inheritance. Observed: 1 variant allele, 1 heterozygote.
Comment: This variant results in the deletion of one nucleotide at the +5 position in intron 3 of the WT1 gene. Splice site prediction tools predict that this variant may have a significant impact on RNA splicing. Although this prediction has not been confirmed in published RNA studies, this variant is expected to result in an absent or disrupted protein product. To our knowledge, functional studies have not been reported for this variant. This variant has not been reported in individuals affected with WT1-related disorders in the literature. This variant has not been identified in the general population by the Genome Aggregation Database (gnomAD). The available evidence is insufficient to determine the role of this variant in disease conclusively. Therefore, this variant is classified as a Variant of Uncertain Significance.

This study involves interpretation of variants in research participants for the purpose of population health screening. Participant phenotype was not available at the time of variant classification. Additional details can be found in publication PMID: 35346344, PMCID: PMC8962531